The following is an entry in ClinVar:

NM_014391.3(ANKRD1):c.346-43AT[16]

Gene: ANKRD1 (ankyrin repeat domain 1; minus strand). Cytogenetic location: 10q23.31.
Variant type: Microsatellite.
Coding change: c.346-43AT[16] on transcript NM_014391.3 (MANE Select); 16 copies in a row of the 2-base unit AT starting at c.346-43; the reference has 12 copies in a row; four copies, 8 bases duplicated.
Molecular consequence: intron variant.
Genome position (GRCh38, 1-based): chr10:90,918,992-90,918,999, ATATATAT duplicated on the plus strand (ATATATAT on the coding strand, the reverse complement: ANKRD1 is on the minus strand); duplicating any 8 consecutive bases within chr10:90,918,992-90,919,016 gives the same sequence; the position shown is the placement nearest the transcript's 3' end. VCF-style (leftmost placement, unchanged base first): chr10-90918991-A-AATATATAT. GRCh37 (hg19) VCF-style: chr10-92678748-A-AATATATAT.
Other names: c.346-27_346-20dup8 (NM_014391.2); c.346-27_346-20dupATATATAT (NM_014391.3).
Identifiers: ClinVar variation 1650229 (VCV001650229.11), dbSNP rs60406118, ClinGen allele CA595185724.

ClinVar aggregate classification (germline): Benign/Likely benign. Review status: criteria provided, multiple submitters, no conflicts (2 of 4 stars). 4 submissions from 4 submitters: Benign (1); Likely benign (3). Last evaluated 2026-03-23.

Conditions:
ANKRD1-related dilated cardiomyopathy. Identifiers: MedGen CN119551.
ANKRD1-related disorder. Also called: ANKRD1-related condition.

Submissions (4):

Women's Health and Genetics/Laboratory Corporation of America, LabCorp
Classification: Benign. Last evaluated: 2026-03-23. Review status: criteria provided, single submitter. Criteria: LabCorp Variant Classification Summary - May 2015. Collection method: clinical testing. Allele origin: germline.
Comment: Variant summary: ANKRD1 c.346-27_346-20dupATATATAT alters a nucleotide located at a position not widely known to affect splicing. Consensus agreement among computation tools predict no significant impact on normal splicing. However, these predictions have yet to be confirmed by functional studies. The variant allele was found at a frequency of 0.00073 in 25872 control chromosomes. The observed variant frequency exceeds the estimated maximal expected allele frequency for disease-causing variants in ANKRD1. To our knowledge, no occurrence of c.346-27_346-20dupATATATAT in individuals affected with ANKRD1-related conditions and no experimental evidence demonstrating its impact on protein function have been reported. ClinVar contains an entry for this variant (Variation ID: 1650229). Based on the evidence outlined above, the variant was classified as benign.

Labcorp Genetics (formerly Invitae), Labcorp
Classification: Likely benign for ANKRD1-related dilated cardiomyopathy. Last evaluated: 2025-12-27. Review status: criteria provided, single submitter. Criteria: Invitae Variant Classification Sherloc (09022015). Collection method: clinical testing. Allele origin: germline.

PreventionGenetics, part of Exact Sciences
Classification: Likely benign for ANKRD1-related condition. Last evaluated: 2025-06-19. Review status: criteria provided, single submitter. Criteria: ACMG Guidelines, 2015. Collection method: clinical testing. Allele origin: germline.
Comment: This variant is classified as likely benign based on ACMG/AMP sequence variant interpretation guidelines (Richards et al. 2015 PMID: 25741868, with internal and published modifications).

Blueprint Genetics
Classification: Likely benign. Last evaluated: 2024-11-21. Review status: criteria provided, single submitter. Criteria: ACMG Guidelines, 2015. Collection method: clinical testing. Allele origin: germline.